The following is an entry in ClinVar:

ClinVar aggregate classification (germline): Benign/Likely benign. Review status: criteria provided, multiple submitters, no conflicts (2 of 4 stars). 3 submissions from 3 submitters: Benign (1); Likely benign (1). 1 of the submissions does not count toward it. Last evaluated 2025-12-26.

Conditions:
Epidermolysis bullosa simplex 3, localized or generalized intermediate, with BP230 deficiency (EBS3). Also called: Epidermolysis bullosa simplex, autosomal recessive 2; Epidermolysis bullosa simplex due to BP230 deficiency. Identifiers: Orphanet 412181, MedGen C3809470, MONDO:0014180, OMIM 615425.
Hereditary sensory and autonomic neuropathy type 6. Also called: Neuropathy, hereditary sensory and autonomic, type VI; HSAN VI. Identifiers: Orphanet 314381, MedGen C3539003, MONDO:0013839, OMIM 614653.
DST-related disorder. Also called: DST-related disorders; DST-related condition.

Allele frequency attached by ClinVar (database versions not stated): gnomAD exomes 0.00085; ExAC 0.00132; ESP Exome Variant Server 0.00324; gnomAD 0.00329 and 0.00344; 1000 Genomes Project 30x 0.00375; 1000 Genomes Project 0.00379; TOPMed 0.00388.
gnomAD v4.1: 967 of 1,603,556 alleles (0.06%); highest among the groups gnomAD compares: African/African-American, 1.2%; 5 homozygotes.

Submissions (3):

Labcorp Genetics (formerly Invitae), Labcorp
Classification: Benign for Epidermolysis bullosa simplex 3, localized or generalized intermediate, with BP230 deficiency; Hereditary sensory and autonomic neuropathy type 6. Last evaluated: 2025-12-26. Review status: criteria provided, single submitter. Criteria: Invitae Variant Classification Sherloc (09022015). Collection method: clinical testing. Allele origin: germline.

Blueprint Genetics
Classification: Likely benign. Last evaluated: 2024-11-12. Review status: criteria provided, single submitter. Criteria: ACMG Guidelines, 2015. Collection method: clinical testing. Allele origin: germline.

PreventionGenetics, part of Exact Sciences
Classification: Benign for DST-related condition. Last evaluated: 2019-07-16. Review status: no assertion criteria provided. Collection method: clinical testing. Allele origin: germline. Not counted in ClinVar's aggregate classification.
Comment: This variant is classified as benign based on ACMG/AMP sequence variant interpretation guidelines (Richards et al. 2015 PMID: 25741868, with internal and published modifications).

NM_001374736.1(DST):c.20541C>T (p.Asp6847=)

Gene: DST (dystonin; minus strand). Cytogenetic location: 6p12.1.
Variant type: single nucleotide variant.
Coding change: c.20541C>T on transcript NM_001374736.1 (MANE Select); coding-DNA position 20541, C replaced by T.
Protein change: p.Asp6847=; no amino-acid change (aspartic acid 6847 retained).
Molecular consequence: synonymous variant.
Genome position (GRCh38, 1-based): chr6:56,492,943, G>A on the plus strand (C>T on the coding strand, the complement: DST is on the minus strand). VCF-style: chr6-56492943-G-A. GRCh37 (hg19) VCF-style: chr6-56357741-G-A.
Other names: c.14184C>T (NM_001144769.2); c.14184C>T, p.Asp4728= (NM_001144769.5); c.13770C>T, p.Asp4590= (NM_001144770.2); c.20541C>T, p.Asp6847= (NM_001374722.1); c.19581C>T, p.Asp6527= (NM_001374729.1); c.13323C>T, p.Asp4441= (NM_001374730.1); c.20568C>T, p.Asp6856= (NM_001374734.1); c.13650C>T, p.Asp4550= (NM_001386100.1, NM_183380.4); and 1 more.
Identifiers: ClinVar variation 1166307 (VCV001166307.12), dbSNP rs57546639, ClinGen allele CA3866730.